The following is an entry in ClinVar:

NM_001692.4(ATP6V1B1):c.130G>T (p.Val44Leu)

Genes: ATP6V1B1 (ATPase H+ transporting V1 subunit B1; plus strand), ATP6V1B1-AS1 (ATP6V1B1 antisense RNA 1; minus strand). Cytogenetic location: 2p13.3.
Variant type: single nucleotide variant.
Coding change: c.130G>T on transcript NM_001692.4 (MANE Select); coding-DNA position 130, G replaced by T.
Protein change: p.Val44Leu; replaces valine 44 with leucine.
Molecular consequence: missense variant.
Genome position (GRCh38, 1-based): chr2:70,943,669, G>T. VCF-style: chr2-70943669-G-T. GRCh37 (hg19) VCF-style: chr2-71170799-G-T.
Other names: short protein forms V44L.
Identifiers: ClinVar variation 1358912 (VCV001358912.3), dbSNP rs781931952, ClinGen allele CA1700910.

ClinVar aggregate classification (germline): Uncertain significance (1 of 4 stars; one submission).

Allele frequency attached by ClinVar (database versions not stated): ExAC 0.00001; gnomAD exomes 0.00001; TOPMed 0.00001.
gnomAD v4.1: 1 of 1,613,918 alleles (0.000062%); highest among the groups gnomAD compares: African/African-American, 0.0013%; no homozygotes.

Submission:

Labcorp Genetics (formerly Invitae), Labcorp
Classification: Uncertain significance. Last evaluated: 2021-12-14. Review status: criteria provided, single submitter. Criteria: Invitae Variant Classification Sherloc (09022015). Collection method: clinical testing. Allele origin: germline.
Comment: This sequence change replaces valine, which is neutral and non-polar, with leucine, which is neutral and non-polar, at codon 44 of the ATP6V1B1 protein (p.Val44Leu). This variant is present in population databases (rs781931952, gnomAD 0.01%). This missense change has been observed in individual(s) with clinical features of ATP6V1B1-related conditions (PMID: 31949730). Algorithms developed to predict the effect of missense changes on protein structure and function are either unavailable or do not agree on the potential impact of this missense change (SIFT: "Deleterious"; PolyPhen-2: "Benign"; Align-GVGD: "Class C0"). In summary, the available evidence is currently insufficient to determine the role of this variant in disease. Therefore, it has been classified as a Variant of Uncertain Significance.

Literature cited by the submitters: PubMed 31949730.